The following is an entry in ClinVar:

ClinVar aggregate classification (germline): Likely pathogenic (1 of 4 stars; one submission).

Conditions:
Pseudohypoaldosteronism type 2D (PHA2D). Also called: FAMILIAL HYPERKALEMIC HYPERTENSION; PSEUDOHYPOALDOSTERONISM, TYPE IID, AUTOSOMAL DOMINANT OR RECESSIVE; Pseudohypoaldosteronism Type IID. Identifiers: Orphanet 300525, Orphanet 757, MedGen C3469605, MONDO:0013781, OMIM 614495.

Submission:

Department of Human Genetics, University Hospital Bern, Inselspital
Classification: Likely pathogenic for Pseudohypoaldosteronism type 2D. Last evaluated: 2026-05-04. Review status: criteria provided, single submitter. Criteria: ACMG Guidelines, 2015. Collection method: clinical testing. Allele origin: germline. Affected: yes. Observed: 3 variant alleles.
Comment: The missense variant c.1502C>A p.(Pro501His) in KLHL3 is classified as likely pathogenic according to ACMG criteria. It is not present in the population database gnomAD v.4.1 and has, to our knowledgge not been reported in association with a genetic disorder before. Another variant affecting the same amino acid residue was reported in the literature in a patient with pseudohyperaldosteronism (c.1501C>A, p.(Pro501Thr), PMID: 22266938). In our laboratoy, the variant was identified in several affected patients (internal data).

NM_017415.3(KLHL3):c.1502C>A (p.Pro501His)

Gene: KLHL3 (kelch like family member 3; minus strand). Cytogenetic location: 5q31.2.
Variant type: single nucleotide variant.
Coding change: c.1502C>A on transcript NM_017415.3 (MANE Select); coding-DNA position 1502, C replaced by A.
Protein change: p.Pro501His; replaces proline 501 with histidine.
Molecular consequence: missense variant.
Genome position (GRCh38, 1-based): chr5:137,628,386, G>T on the plus strand (C>A on the coding strand, the complement: KLHL3 is on the minus strand). VCF-style: chr5-137628386-G-T. GRCh37 (hg19) VCF-style: chr5-136964075-G-T.
Other names: c.1406C>A, p.Pro469His (NM_001257194.1); c.1256C>A, p.Pro419His (NM_001257195.2); short protein forms P469H, P501H, P419H.
Identifiers: ClinVar variation 4974537 (VCV004974537.1).